The following is an entry in ClinVar:

ClinVar aggregate classification (germline): Uncertain significance (1 of 4 stars; one submission).

Conditions:
Arrhythmogenic right ventricular dysplasia 10. Also called: Arrhythmogenic Right Ventricular Dysplasia/Cardiomyopathy10; Arrhythmogenic right ventricular dysplasia/cardiomyopathy, type 10; ARRHYTHMOGENIC RIGHT VENTRICULAR DYSPLASIA, FAMILIAL, 10. Identifiers: MedGen C1857777, MONDO:0012434, OMIM 610193.

Submission:

Labcorp Genetics (formerly Invitae), Labcorp
Classification: Uncertain significance for Arrhythmogenic right ventricular dysplasia 10. Last evaluated: 2024-10-22. Review status: criteria provided, single submitter. Criteria: Invitae Variant Classification Sherloc (09022015). Collection method: clinical testing. Allele origin: germline.
Comment: This sequence change replaces lysine, which is basic and polar, with glutamic acid, which is acidic and polar, at codon 72 of the DSG2 protein (p.Lys72Glu). This variant is not present in population databases (gnomAD no frequency). This variant has not been reported in the literature in individuals affected with DSG2-related conditions. Invitae Evidence Modeling of protein sequence and biophysical properties (such as structural, functional, and spatial information, amino acid conservation, physicochemical variation, residue mobility, and thermodynamic stability) indicates that this missense variant is not expected to disrupt DSG2 protein function with a negative predictive value of 95%. In summary, the available evidence is currently insufficient to determine the role of this variant in disease. Therefore, it has been classified as a Variant of Uncertain Significance.

NM_001943.5(DSG2):c.214A>G (p.Lys72Glu)

Gene: DSG2 (desmoglein 2; plus strand). Cytogenetic location: 18q12.1.
Variant type: single nucleotide variant.
Coding change: c.214A>G on transcript NM_001943.5 (MANE Select); coding-DNA position 214, A replaced by G.
Protein change: p.Lys72Glu; replaces lysine 72 with glutamic acid.
Molecular consequence: missense variant.
Genome position (GRCh38, 1-based): chr18:31,519,935, A>G. VCF-style: chr18-31519935-A-G. GRCh37 (hg19) VCF-style: chr18-29099898-A-G.
Other names: short protein forms K72E.
Identifiers: ClinVar variation 2719949 (VCV002719949.3), dbSNP rs2510910418, ClinGen allele CA402131062.